The following is an entry in ClinVar:

ClinVar aggregate classification (germline): Conflicting classifications of pathogenicity. Review status: criteria provided, conflicting classifications (1 of 4 stars). 10 submissions from 9 submitters: Uncertain significance (5); Benign (1); Likely benign (3). 1 of the submissions does not count toward it. Last evaluated 2025-12-23.

Conditions:
Lethal Kniest-like syndrome (DDSH). Also called: Dyssegmental Dysplasia. Identifiers: Orphanet 1865, MedGen C1857100, MONDO:0009140, OMIM 224410.
Schwartz-Jampel syndrome type 1 (SJS1). Also called: MYOTONIC MYOPATHY, DWARFISM, CHONDRODYSTROPHY, AND OCULAR AND FACIAL ABNORMALITIES; CHONDRODYSTROPHIC MYOTONIA. Identifiers: MedGen C4551479, MONDO:0100435, OMIM 255800.
HSPG2-related disorder. Also called: HSPG2-related condition; HSPG2-related disorders.
Schwartz-Jampel syndrome. Also called: Myotonic myopathy dwarfism chondrodystrophy and ocular and facial abnormalities. Identifiers: Orphanet 800, MedGen C0036391, MONDO:0009717.

Allele frequency attached by ClinVar (database versions not stated): gnomAD exomes 0.00043 and 0.00090; ESP Exome Variant Server 0.00069; gnomAD 0.00120 and 0.00122; TOPMed 0.00128; 1000 Genomes Project 30x 0.00141; ExAC 0.00146; 1000 Genomes Project 0.00180.
gnomAD v4.1: 834 of 1,575,502 alleles (0.053%); highest among the groups gnomAD compares: Middle Eastern, 0.42%; no homozygotes.

Submissions (10):

Labcorp Genetics (formerly Invitae), Labcorp
Classification: Likely benign. Last evaluated: 2025-12-23. Review status: criteria provided, single submitter. Criteria: Invitae Variant Classification Sherloc (09022015). Collection method: clinical testing. Allele origin: germline.

Athena Diagnostics
Classification: Benign. Last evaluated: 2024-07-30. Review status: criteria provided, single submitter. Criteria: Athena Diagnostics Criteria. Collection method: clinical testing. Allele origin: unknown.

CeGaT Center for Human Genetics Tuebingen
Classification: Likely benign. Last evaluated: 2024-05-01. Review status: criteria provided, single submitter. Criteria: CeGaT Center For Human Genetics Tuebingen Variant Classification Criteria Version 2. Collection method: clinical testing. Allele origin: germline. Affected: yes. Observed: 1 variant allele.
Comment: HSPG2: BP4

Department of Pathology and Laboratory Medicine, Sinai Health System
Classification: Uncertain significance for Lethal Kniest-like syndrome; Schwartz-Jampel syndrome type 1. Last evaluated: 2023-05-12. Review status: criteria provided, single submitter. Criteria: ACMG Guidelines, 2015. Collection method: research. Allele origin: germline.

ARUP Laboratories, Molecular Genetics and Genomics, ARUP Laboratories
Classification: Uncertain significance. Last evaluated: 2022-04-08. Review status: criteria provided, single submitter. Criteria: ARUP Molecular Germline Variant Investigation Process 2021. Collection method: clinical testing. Allele origin: germline.
Comment: The HSPG2 c.10280G>A; p.Arg3427Gln variant (rs142939330), to our knowledge, is not reported in the medical literature but is reported in ClinVar (Variation ID: 295739). This variant is found in the African population with an allele frequency of 0.21% (42/19,592 alleles) in the Genome Aggregation Database. The arginine at codon 3427 is weakly conserved, and computational analyses predict that this variant is neutral (REVEL: 0.021). Due to limited information, the clinical significance of the p.Arg3427Gln variant is uncertain at this time.

Revvity Omics, Revvity
Classification: Uncertain significance. Last evaluated: 2019-10-16. Review status: criteria provided, single submitter. Criteria: ACMG Guidelines, 2015. Collection method: clinical testing. Allele origin: germline.

GeneDx
Classification: Likely benign. Last evaluated: 2018-11-01. Review status: criteria provided, single submitter. Criteria: GeneDx Variant Classification Process June 2021. Collection method: clinical testing. Allele origin: germline. Affected: yes.

Illumina Laboratory Services, Illumina
Classification: Uncertain significance for Lethal Kniest-like syndrome. Last evaluated: 2018-01-13. Review status: criteria provided, single submitter. Criteria: ICSL Variant Classification Criteria 13 December 2019. Collection method: clinical testing. Allele origin: germline.

Illumina Laboratory Services, Illumina
Classification: Uncertain significance for Schwartz-Jampel syndrome type 1. Last evaluated: 2018-01-13. Review status: criteria provided, single submitter. Criteria: ICSL Variant Classification Criteria 13 December 2019. Collection method: clinical testing. Allele origin: germline.

PreventionGenetics, part of Exact Sciences
Classification: Likely benign for HSPG2-related condition. Last evaluated: 2019-07-10. Review status: no assertion criteria provided. Collection method: clinical testing. Allele origin: germline. Not counted in ClinVar's aggregate classification.
Comment: This variant is classified as likely benign based on ACMG/AMP sequence variant interpretation guidelines (Richards et al. 2015 PMID: 25741868, with internal and published modifications).

NM_005529.7(HSPG2):c.10280G>A (p.Arg3427Gln)

Gene: HSPG2 (heparan sulfate proteoglycan 2; minus strand). Cytogenetic location: 1p36.12.
Variant type: single nucleotide variant.
Coding change: c.10280G>A on transcript NM_005529.7 (MANE Select); coding-DNA position 10280, G replaced by A.
Protein change: p.Arg3427Gln; replaces arginine 3427 with glutamine.
Molecular consequence: missense variant.
Genome position (GRCh38, 1-based): chr1:21,836,877, C>T on the plus strand (G>A on the coding strand, the complement: HSPG2 is on the minus strand). VCF-style: chr1-21836877-C-T. GRCh37 (hg19) VCF-style: chr1-22163370-C-T.
Other names: c.10283G>A, p.Arg3428Gln (NM_001291860.2); short protein forms R3427Q, R3428Q.
Identifiers: ClinVar variation 295739 (VCV000295739.46), dbSNP rs142939330, ClinGen allele CA670179.